The following is an entry in ClinVar:

NM_018928.3(PCDHGC4):c.2092G>C (p.Val698Leu)

Genes: PCDHG@ (protocadherin gamma cluster; plus strand), PCDHGA1 (protocadherin gamma subfamily A, 1; plus strand), PCDHGA10 (protocadherin gamma subfamily A, 10; plus strand), PCDHGA11 (protocadherin gamma subfamily A, 11; plus strand), PCDHGA12 (protocadherin gamma subfamily A, 12; plus strand) and 17 more. Cytogenetic location: 5q31.3.
Variant type: single nucleotide variant.
Coding change: c.2092G>C on transcript NM_018928.3 (MANE Select); coding-DNA position 2092, G replaced by C.
Protein change: p.Val698Leu; replaces valine 698 with leucine.
Molecular consequence: missense variant. On other transcripts: intron variant (23).
Genome position (GRCh38, 1-based): chr5:141,487,265, G>C. VCF-style: chr5-141487265-G-C. GRCh37 (hg19) VCF-style: chr5-140866832-G-C.
Other names: c.2092G>C, p.Val698Leu (NM_032406.1); c.2422-7542G>C (NM_018912.3, NM_018923.3, NM_018918.3); c.2425-7542G>C (NM_018915.4, NM_018916.4, NM_018919.3 and 4 more transcripts); c.2410-7542G>C (NM_018922.3); c.2515-7542G>C (NM_018917.4); c.2416-7542G>C (NM_018924.5, NM_018927.4); c.2398-7542G>C (NM_003736.4, NM_018925.3); c.2419-7542G>C (NM_018926.3); and 6 more; short protein forms V698L.
Identifiers: ClinVar variation 2655866 (VCV002655866.24), dbSNP rs144347539, ClinGen allele CA3477957.

ClinVar aggregate classification (germline): Likely benign (1 of 4 stars; one submission).

Allele frequency attached by ClinVar (database versions not stated): 1000 Genomes Project 0.00120; 1000 Genomes Project 30x 0.00125; TOPMed 0.00283; ESP Exome Variant Server 0.00315; gnomAD 0.00366; ExAC 0.00389.
gnomAD v4.1: 6,978 of 1,614,152 alleles (0.43%); highest among the groups gnomAD compares: Non-Finnish European, 0.49%; 28 homozygotes.

Submission:

CeGaT Center for Human Genetics Tuebingen
Classification: Likely benign. Last evaluated: 2026-08-01. Review status: criteria provided, single submitter. Criteria: CeGaT Center For Human Genetics Tuebingen Variant Classification Criteria Version 2. Collection method: clinical testing. Allele origin: germline. Affected: yes. Observed: 8 variant alleles.
Comment: PCDHGC4: BP4, BS2